The following is an entry in ClinVar:

ClinVar aggregate classification (germline): Likely pathogenic (1 of 4 stars; one submission).

Submission:

GeneDx
Classification: Likely pathogenic. Last evaluated: 2017-04-11. Review status: criteria provided, single submitter. Criteria: GeneDx Variant Classification (06012015). Collection method: clinical testing. Allele origin: germline. Affected: yes.
Comment: The K161Q variant in the AKT3 gene has not been reported previously as a pathogenic variant, nor as a benign variant, to our knowledge. The K161Q variant is not observed in large population cohorts (Lek et al., 2016; 1000 Genomes Consortium et al., 2015; Exome Variant Server). The K161Q variant is a semi-conservative amino acid substitution, which may impact secondary protein structure as these residues differ in some properties. This substitution occurs at a position that is conserved across species. In silico analysis predicts this variant is probably damaging to the protein structure/function. We interpret K161Q as a likely pathogenic variant.

NM_005465.7(AKT3):c.481A>C (p.Lys161Gln)

Gene: AKT3 (AKT serine/threonine kinase 3; minus strand). Cytogenetic location: 1q44.
Variant type: single nucleotide variant.
Coding change: c.481A>C on transcript NM_005465.7 (MANE Select); coding-DNA position 481, A replaced by C.
Protein change: p.Lys161Gln; replaces lysine 161 with glutamine.
Molecular consequence: missense variant.
Genome position (GRCh38, 1-based): chr1:243,637,691, T>G on the plus strand (A>C on the coding strand, the complement: AKT3 is on the minus strand). VCF-style: chr1-243637691-T-G. GRCh37 (hg19) VCF-style: chr1-243800993-T-G.
Other names: c.481A>C, p.Lys161Gln (NM_001206729.2, NM_001370074.1, NM_181690.2); short protein forms K161Q.
Identifiers: ClinVar variation 426616 (VCV000426616.2), dbSNP rs1085307712, ClinGen allele CA345669825.